The following is an entry in ClinVar:

ClinVar aggregate classification (germline): Uncertain significance (1 of 4 stars; one submission).

Submission:

GeneDx
Classification: Uncertain significance. Last evaluated: 2026-03-04. Review status: criteria provided, single submitter. Criteria: GeneDx Variant Classification Process June 2021. Collection method: clinical testing. Allele origin: germline.
Comment: Not observed at significant frequency in large population cohorts (gnomAD); In silico analysis suggests that this missense variant does not alter protein structure/function; Has not been previously published as pathogenic or benign to our knowledge

NM_031206.7(LAS1L):c.1360T>A (p.Phe454Ile)

Gene: LAS1L (LAS1 like ribosome biogenesis factor; minus strand). Cytogenetic location: Xq12.
Variant type: single nucleotide variant.
Coding change: c.1360T>A on transcript NM_031206.7 (MANE Select); coding-DNA position 1360, T replaced by A.
Protein change: p.Phe454Ile; replaces phenylalanine 454 with isoleucine.
Molecular consequence: missense variant. On other transcripts: non-coding transcript variant (3).
Genome position (GRCh38, 1-based): chrX:65,523,648, A>T on the plus strand (T>A on the coding strand, the complement: LAS1L is on the minus strand). VCF-style: chrX-65523648-A-T. GRCh37 (hg19) VCF-style: chrX-64743528-A-T.
Other names: c.1309T>A, p.Phe437Ile (NM_001170649.2, NM_001375331.1, NM_001375333.1 and 4 more transcripts); c.1183T>A, p.Phe395Ile (NM_001170650.2); c.1360T>A, p.Phe454Ile (NM_001375328.1, NM_001375329.1, NM_001375330.1 and 3 more transcripts); c.403T>A, p.Phe135Ile (NM_001375332.1); short protein forms F454I, F135I, F437I, F395I.
Identifiers: ClinVar variation 5009935 (VCV005009935.1).